The following is an entry in ClinVar:

NM_001009994.3(RIPPLY2):c.299del (p.Leu100fs)

Genes: RIPPLY2 (ripply transcriptional repressor 2; plus strand), RIPPLY2-CYB5R4 (RIPPLY2-CYB5R4 readthrough; plus strand). Cytogenetic location: 6q14.2.
Variant type: Deletion.
Coding change: c.299del on transcript NM_001009994.3 (MANE Select); coding-DNA position 299, one base deleted (T; older notation c.299delT).
Protein change: p.Leu100fs; shifts the reading frame from leucine 100.
Molecular consequence: frameshift variant. On other transcripts: non-coding transcript variant (1).
Genome position (GRCh38, 1-based): chr6:83,857,301, T deleted. VCF-style (leftmost placement, unchanged base first): chr6-83857300-CT-C. GRCh37 (hg19) VCF-style: chr6-84567019-CT-C.
Other names: c.299delT (NM_001009994.2); short protein forms L100fs.
Identifiers: ClinVar variation 218314 (VCV000218314.3), dbSNP rs864309489, ClinGen allele CA339615.
Genomic context (GRCh38, chr6:83,857,300, plus strand): 5'-AGACTATTTTGGCCAAAATCAAAATGTTATGATTACTTATATCAAGAAGCAGAAGCTCTT[CT>C]GAAAAATTTTCCAATTCAAGCCACAATTTCATTTTATGAAGATTCTGATAGCGAAGATGA-3'

ClinVar aggregate classification (germline): Likely pathogenic. Review status: criteria provided, single submitter (1 of 4 stars). 2 submissions from 2 submitters: Likely pathogenic (1). 1 of the submissions does not count toward it.

Conditions:
Klippel-Feil syndrome 2, autosomal recessive (KFS2). Also called: CERVICAL VERTEBRAL FUSION, AUTOSOMAL RECESSIVE; KFS, AUTOSOMAL RECESSIVE; Klippel Feil syndrome autosomal recessive; KLIPPEL-FEIL SYNDROME 2. Identifiers: Orphanet 2345, MedGen C1859209, MONDO:0008958, OMIM 214300.

Submissions (2):

Lupski Lab, Baylor-Hopkins CMG, Baylor College of Medicine
Classification: Likely pathogenic for Klippel-Feil syndrome 2, autosomal recessive. Review status: criteria provided, single submitter. Criteria: Karaca et al. (2015). Collection method: research. Allele origin: germline. Inheritance: Autosomal recessive inheritance. Affected: yes and no. Observed: 4 variant alleles, 3 heterozygotes, 1 homozygote. Clinical features observed: situs inversus totalis.
Comment: Our clinical and genomic findings, together with animal model data and clinical reports in the literature, suggest that a homozygous frameshift mutation is responsible for a new type of autosomal recessive KFS. Additional reports of individuals with a similar phenotype and animal studies will be crucial to clarify the potential role of RIPPLY2 in the etiology of heterotaxy.

OMIM
Classification: Uncertain significance for VARIANT OF UNKNOWN SIGNIFICANCE. Last evaluated: 2015-11-01. Review status: no assertion criteria provided. Collection method: literature only. Allele origin: germline. Not counted in ClinVar's aggregate classification.

Literature cited by the submitters: PubMed 25343988 (cited by Lupski Lab, Baylor-Hopkins CMG, Baylor College of Medicine); PubMed 26238661 (cited by OMIM).